The following is an entry in ClinVar:

NM_005431.2(XRCC2):c.644G>A (p.Arg215Gln)

Gene: XRCC2 (X-ray repair cross complementing 2; minus strand). Cytogenetic location: 7q36.1.
Variant type: single nucleotide variant.
Coding change: c.644G>A on transcript NM_005431.2 (MANE Select); coding-DNA position 644, G replaced by A.
Protein change: p.Arg215Gln; replaces arginine 215 with glutamine.
Molecular consequence: missense variant.
Genome position (GRCh38, 1-based): chr7:152,648,841, C>T on the plus strand (G>A on the coding strand, the complement: XRCC2 is on the minus strand). VCF-style: chr7-152648841-C-T. GRCh37 (hg19) VCF-style: chr7-152345926-C-T.
Other names: short protein forms R215Q.
Identifiers: ClinVar variation 246108 (VCV000246108.15), dbSNP rs762828701, ClinGen allele CA4582316.

ClinVar aggregate classification (germline): Conflicting classifications of pathogenicity. Review status: criteria provided, conflicting classifications (1 of 4 stars). 5 submissions from 5 submitters: Uncertain significance (4); Likely benign (1). Last evaluated 2025-05-16.

Conditions:
Fanconi anemia complementation group U. Identifiers: MedGen C4310651, MONDO:0014987, OMIM 617247.
Hereditary cancer-predisposing syndrome. Also called: Hereditary neoplastic syndrome; Neoplastic Syndromes, Hereditary; Tumor predisposition; Hereditary Cancer Syndrome. Identifiers: Orphanet 140162, MedGen C0027672, MeSH D009386, MONDO:0015356.

Allele frequency attached by ClinVar (database versions not stated): ExAC 0.00001; gnomAD exomes 0.00001 and 0.00002; TOPMed 0.00001.
gnomAD v4.1: 11 of 1,613,768 alleles (0.00068%); highest among the groups gnomAD compares: Admixed American, 0.005%; no homozygotes.

Submissions (5):

Quest Diagnostics Nichols Institute San Juan Capistrano
Classification: Uncertain significance. Last evaluated: 2025-05-16. Review status: criteria provided, single submitter. Criteria: Quest Diagnostics criteria. Collection method: clinical testing. Allele origin: unknown.
Comment: The XRCC2 c.644G>A (p.Arg215Gln) variant has been observed in the published literature in a breast cancer case and reportedly unaffected individuals (PMID: 33471991 (2021), see also LOVD). The frequency of this variant in the general population (Genome Aggregation Database) is uninformative in the assessment of its pathogenicity. Analysis of this variant using bioinformatics tools for the prediction of the effect of amino acid changes on protein structure and function yielded predictions that this variant is benign. Based on the available information, we are unable to determine the clinical significance of this variant.

Ambry Genetics
Classification: Likely benign for Hereditary cancer-predisposing syndrome. Last evaluated: 2024-03-29. Review status: criteria provided, single submitter. Criteria: Ambry Variant Classification Scheme 2023. Collection method: clinical testing. Allele origin: germline.

Labcorp Genetics (formerly Invitae), Labcorp
Classification: Uncertain significance. Last evaluated: 2024-01-12. Review status: criteria provided, single submitter. Criteria: Invitae Variant Classification Sherloc (09022015). Collection method: clinical testing. Allele origin: germline.
Comment: This sequence change replaces arginine, which is basic and polar, with glutamine, which is neutral and polar, at codon 215 of the XRCC2 protein (p.Arg215Gln). This variant is present in population databases (rs762828701, gnomAD 0.009%). This variant has not been reported in the literature in individuals affected with XRCC2-related conditions. ClinVar contains an entry for this variant (Variation ID: 246108). An algorithm developed to predict the effect of missense changes on protein structure and function (PolyPhen-2) suggests that this variant is likely to be tolerated. In summary, the available evidence is currently insufficient to determine the role of this variant in disease. Therefore, it has been classified as a Variant of Uncertain Significance.

Mendelics
Classification: Uncertain significance for Fanconi anemia complementation group U. Last evaluated: 2019-05-28. Review status: criteria provided, single submitter. Criteria: Mendelics Assertion Criteria 2017. Collection method: clinical testing. Allele origin: unknown.

GeneDx
Classification: Uncertain significance. Last evaluated: 2015-11-16. Review status: criteria provided, single submitter. Criteria: GeneDx Variant Classification (06012015). Collection method: clinical testing. Allele origin: germline. Affected: yes.
Comment: This variant is denoted XRCC2 c.644G>A at the cDNA level, p.Arg215Gln (R215Q) at the protein level, and results in the change of an Arginine to a Glutamine (CGA>CAA). This variant has not, to our knowledge, been published in the literature as pathogenic or benign. XRCC2 Arg215Gln was not observed in approximately 6,500 individuals of European and African American ancestry in the NHLBI Exome Sequencing Project, suggesting it is not a common benign variant in these populations. Since Arginine and Glutamine differ in some properties, this is considered a semi-conservative amino acid substitution. XRCC2 Arg215Gln occurs at a position that is not conserved and is located in the ATPase domain (Kim 2011). In silico analyses predict that this variant is unlikely to alter protein structure or function. Based on currently available evidence, it is unclear whether XRCC2 Arg215Gln is a pathogenic or benign variant. We consider it to be a variant of uncertain significance.

Literature cited by the submitters: PubMed 33471991 (cited by Quest Diagnostics Nichols Institute San Juan Capistrano).